The following is an entry in ClinVar:

NM_000057.4(BLM):c.1719T>A (p.Asn573Lys)

Gene: BLM (BLM RecQ like helicase; plus strand). Cytogenetic location: 15q26.1.
Variant type: single nucleotide variant.
Coding change: c.1719T>A on transcript NM_000057.4 (MANE Select); coding-DNA position 1719, T replaced by A.
Protein change: p.Asn573Lys; replaces asparagine 573 with lysine.
Molecular consequence: missense variant.
Genome position (GRCh38, 1-based): chr15:90,761,092, T>A. VCF-style: chr15-90761092-T-A. GRCh37 (hg19) VCF-style: chr15-91304322-T-A.
Other names: c.1719T>A, p.Asn573Lys (NM_001287246.2, NM_001287247.2); c.594T>A, p.Asn198Lys (NM_001287248.2); c.1719T>A (NM_000057.2); short protein forms N198K, N573K.
Identifiers: ClinVar variation 999855 (VCV000999855.13), dbSNP rs1895973169, ClinGen allele CA393843700.
Genomic context (GRCh38, chr15:90,761,092, plus strand): 5'-TGATAATTTTGACATAGATGACTTTGATGATGATGATGACTGGGAAGACATAATGCATAA[T>A]TTAGCAGCCAGCAAATCTTCCACAGCTGCCTATCAACCCATCAAGGAAGGTCGGCCAATT-3'
Protein context (NP_000048.1, residues 563-583): DDDDWEDIMH[Asn573Lys]LAASKSSTAA

ClinVar aggregate classification (germline): Uncertain significance. Review status: criteria provided, multiple submitters, no conflicts (2 of 4 stars). 3 submissions from 3 submitters: Uncertain significance (2). 1 of the submissions does not count toward it. Last evaluated 2023-02-10.

Conditions:
Hereditary cancer-predisposing syndrome. Also called: Neoplastic Syndromes, Hereditary; Tumor predisposition; Hereditary Cancer Syndrome; Hereditary neoplastic syndrome. Identifiers: Orphanet 140162, MedGen C0027672, MeSH D009386, MONDO:0015356.
Bloom syndrome (BLM). Also called: Bloom-Torre-Machacek syndrome. Identifiers: Orphanet 125, MedGen C0005859, MONDO:0008876, OMIM 210900.

Allele frequency attached by ClinVar (database versions not stated): gnomAD exomes below 0.00001.
gnomAD v4.1: 1 of 1,553,268 alleles (0.000064%); highest among the groups gnomAD compares: East Asian, 0.0022%; no homozygotes.

Submissions (3):

Ambry Genetics
Classification: Uncertain significance for Hereditary cancer-predisposing syndrome. Last evaluated: 2023-02-10. Review status: criteria provided, single submitter. Criteria: Ambry Variant Classification Scheme 2023. Collection method: clinical testing. Allele origin: germline.
Comment: The p.N573K variant (also known as c.1719T>A), located in coding exon 6 of the BLM gene, results from a T to A substitution at nucleotide position 1719. The asparagine at codon 573 is replaced by lysine, an amino acid with similar properties. This amino acid position is conserved. In addition, this alteration is predicted to be tolerated by in silico analysis. Since supporting evidence is limited at this time, the clinical significance of this alteration remains unclear.

Labcorp Genetics (formerly Invitae), Labcorp
Classification: Uncertain significance for Bloom syndrome. Last evaluated: 2022-04-04. Review status: criteria provided, single submitter. Criteria: Invitae Variant Classification Sherloc (09022015). Collection method: clinical testing. Allele origin: germline.
Comment: This sequence change replaces asparagine, which is neutral and polar, with lysine, which is basic and polar, at codon 573 of the BLM protein (p.Asn573Lys). This variant is not present in population databases (gnomAD no frequency). This variant has not been reported in the literature in individuals affected with BLM-related conditions. ClinVar contains an entry for this variant (Variation ID: 999855). Algorithms developed to predict the effect of missense changes on protein structure and function (SIFT, PolyPhen-2, Align-GVGD) all suggest that this variant is likely to be tolerated. In summary, the available evidence is currently insufficient to determine the role of this variant in disease. Therefore, it has been classified as a Variant of Uncertain Significance.

Natera, Inc.
Classification: Uncertain significance for Bloom syndrome. Last evaluated: 2020-02-21. Review status: no assertion criteria provided. Collection method: clinical testing. Allele origin: germline. Not counted in ClinVar's aggregate classification.